The following is an entry in ClinVar:

ClinVar aggregate classification (germline): Uncertain significance (1 of 4 stars; one submission).

Submission:

Labcorp Genetics (formerly Invitae), Labcorp
Classification: Uncertain significance. Last evaluated: 2022-09-29. Review status: criteria provided, single submitter. Criteria: Invitae Variant Classification Sherloc (09022015). Collection method: clinical testing. Allele origin: germline.
Comment: This sequence change replaces leucine, which is neutral and non-polar, with proline, which is neutral and non-polar, at codon 16 of the SIAE protein (p.Leu16Pro). This variant is not present in population databases (gnomAD no frequency). This variant has not been reported in the literature in individuals affected with SIAE-related conditions. Algorithms developed to predict the effect of missense changes on protein structure and function are either unavailable or do not agree on the potential impact of this missense change (SIFT: "Tolerated"; PolyPhen-2: "Possibly Damaging"; Align-GVGD: "Class C0"). In summary, the available evidence is currently insufficient to determine the role of this variant in disease. Therefore, it has been classified as a Variant of Uncertain Significance.

NM_170601.5(SIAE):c.47T>C (p.Leu16Pro)

Gene: SIAE (sialic acid acetylesterase; minus strand). Cytogenetic location: 11q24.2.
Variant type: single nucleotide variant.
Coding change: c.47T>C on transcript NM_170601.5 (MANE Select); coding-DNA position 47, T replaced by C.
Protein change: p.Leu16Pro; replaces leucine 16 with proline.
Molecular consequence: missense variant. On other transcripts: intron variant (1).
Genome position (GRCh38, 1-based): chr11:124,673,662, A>G on the plus strand (T>C on the coding strand, the complement: SIAE is on the minus strand). VCF-style: chr11-124673662-A-G. GRCh37 (hg19) VCF-style: chr11-124543558-A-G.
Other names: c.-39+1596T>C (NM_001199922.2); short protein forms L16P.
Identifiers: ClinVar variation 1718763 (VCV001718763.5), dbSNP rs2496963324, ClinGen allele CA383123228.